The following is an entry in ClinVar:

ClinVar aggregate classification (germline): Uncertain significance. Review status: criteria provided, multiple submitters, no conflicts (2 of 4 stars). 4 submissions from 4 submitters: Uncertain significance (4). Last evaluated 2025-05-22.

Conditions:
Inborn genetic diseases. Identifiers: MedGen C0950123, MeSH D030342.
Acute myeloid leukemia (AML). Also called: Leukemia, acute myeloid, somatic; Leukemia, acute myelogenous, somatic; Acute myeloid leukemia, adult; AML adult; Acute non-lymphocytic leukemia; Acute granulocytic leukemia. Identifiers: Orphanet 519, MedGen C0023467, MeSH D015470, MONDO:0018874, OMIM 601626, HP:0004808. Disease mechanism: Constitutively activated FLT3.
Monocytopenia with susceptibility to infections. Also called: MONOCYTOPENIA AND MYCOBACTERIAL INFECTION SYNDROME; MONOCYTOPENIA WITH SUSCEPTIBILITY TO MYCOBACTERIAL, FUNGAL, AND PAPILLOMAVIRUS INFECTIONS AND MYELODYSPLASIA; COMBINED IMMUNODEFICIENCY WITH SUSCEPTIBILITY TO MYCOBACTERIAL, VIRAL, AND FUNGAL INFECTIONS; GATA2 DEFICIENCY; Dendritic cell, monocyte, B lymphocyte, and natural killer lymphocyte deficiency; IMMUNODEFICIENCY 21. Identifiers: Orphanet 228423, MedGen C3280030, MONDO:0013607, OMIM 614172.
Deafness-lymphedema-leukemia syndrome. Also called: Lymphedema, primary, with myelodysplasia; Emberger syndrome. Identifiers: Orphanet 3226, MedGen C3279664, MONDO:0013540, OMIM 614038.

gnomAD v4.1: 1 of 1,613,164 alleles (0.000062%); highest among the groups gnomAD compares: Non-Finnish European, 0.000085%; no homozygotes.

Submissions (4):

Ambry Genetics
Classification: Uncertain significance for Inborn genetic diseases. Last evaluated: 2025-05-22. Review status: criteria provided, single submitter. Criteria: Ambry Variant Classification Scheme 2023. Collection method: clinical testing. Allele origin: germline.
Comment: The p.H165R variant (also known as c.494A>G), located in coding exon 2 of the GATA2 gene, results from an A to G substitution at nucleotide position 494. The histidine at codon 165 is replaced by arginine, an amino acid with highly similar properties. This amino acid position is well conserved in available vertebrate species. In addition, the in silico prediction for this alteration is inconclusive. Based on the available evidence, the clinical significance of this variant remains unclear.

Baylor Genetics
Classification: Uncertain significance for Acute myeloid leukemia. Last evaluated: 2024-03-24. Review status: criteria provided, single submitter. Criteria: ACMG Guidelines, 2015. Collection method: clinical testing. Allele origin: unknown.

Labcorp Genetics (formerly Invitae), Labcorp
Classification: Uncertain significance for Monocytopenia with susceptibility to infections; Deafness-lymphedema-leukemia syndrome. Last evaluated: 2023-08-16. Review status: criteria provided, single submitter. Criteria: Invitae Variant Classification Sherloc (09022015). Collection method: clinical testing. Allele origin: germline.
Comment: ClinVar contains an entry for this variant (Variation ID: 1381803). This variant has not been reported in the literature in individuals affected with GATA2-related conditions. This variant is not present in population databases (gnomAD no frequency). This sequence change replaces histidine, which is basic and polar, with arginine, which is basic and polar, at codon 165 of the GATA2 protein (p.His165Arg). In summary, the available evidence is currently insufficient to determine the role of this variant in disease. Therefore, it has been classified as a Variant of Uncertain Significance. Advanced modeling of protein sequence and biophysical properties (such as structural, functional, and spatial information, amino acid conservation, physicochemical variation, residue mobility, and thermodynamic stability) has been performed at Invitae for this missense variant, however the output from this modeling did not meet the statistical confidence thresholds required to predict the impact of this variant on GATA2 protein function.

GeneDx
Classification: Uncertain significance. Last evaluated: 2023-04-02. Review status: criteria provided, single submitter. Criteria: GeneDx Variant Classification Process June 2021. Collection method: clinical testing. Allele origin: germline. Affected: yes.
Comment: Not observed at significant frequency in large population cohorts (gnomAD); In silico analysis supports that this missense variant has a deleterious effect on protein structure/function; Has not been previously published as pathogenic or benign to our knowledge

NM_032638.5(GATA2):c.494A>G (p.His165Arg)

Gene: GATA2 (GATA binding protein 2; minus strand). Cytogenetic location: 3q21.3.
Variant type: single nucleotide variant.
Coding change: c.494A>G on transcript NM_032638.5 (MANE Select); coding-DNA position 494, A replaced by G.
Protein change: p.His165Arg; replaces histidine 165 with arginine.
Molecular consequence: missense variant.
Genome position (GRCh38, 1-based): chr3:128,486,104, T>C on the plus strand (A>G on the coding strand, the complement: GATA2 is on the minus strand). VCF-style: chr3-128486104-T-C. GRCh37 (hg19) VCF-style: chr3-128204947-T-C.
Other names: c.494A>G (NM_032638.4); c.494A>G, p.His165Arg (NM_001145661.2, NM_001145662.1); short protein forms H165R.
Identifiers: ClinVar variation 1381803 (VCV001381803.8), dbSNP rs1559987389, ClinGen allele CA354406649.